The following is an entry in ClinVar:

ClinVar aggregate classification (germline): Uncertain significance (1 of 4 stars; one submission).

Conditions:
EDEM3-related disorder. Also called: EDEM3-related condition.

gnomAD v4.1: 4 of 1,607,354 alleles (0.00025%); highest among the groups gnomAD compares: Non-Finnish European, 0.000085%; no homozygotes.

Submission:

PreventionGenetics, part of Exact Sciences
Classification: Uncertain significance for EDEM3-related condition. Last evaluated: 2025-11-21. Review status: criteria provided, single submitter. Criteria: ACMG Guidelines, 2015. Collection method: clinical testing. Allele origin: germline.
Comment: The EDEM3 c.1471A>G variant is predicted to result in the amino acid substitution p.Thr491Ala. To our knowledge, this variant has not been reported in the literature or in a large population database (gnomAD), indicating this variant is rare. At this time, the clinical significance of this variant is uncertain due to the absence of conclusive functional and genetic evidence.

NM_025191.4(EDEM3):c.1471A>G (p.Thr491Ala)

Gene: EDEM3 (ER degradation enhancing alpha-mannosidase like protein 3; minus strand). Cytogenetic location: 1q25.3.
Variant type: single nucleotide variant.
Coding change: c.1471A>G on transcript NM_025191.4 (MANE Select); coding-DNA position 1471, A replaced by G.
Protein change: p.Thr491Ala; replaces threonine 491 with alanine.
Molecular consequence: missense variant. On other transcripts: non-coding transcript variant (1).
Genome position (GRCh38, 1-based): chr1:184,712,498, T>C on the plus strand (A>G on the coding strand, the complement: EDEM3 is on the minus strand). VCF-style: chr1-184712498-T-C. GRCh37 (hg19) VCF-style: chr1-184681632-T-C.
Other names: c.1471A>G, p.Thr491Ala (NM_001319960.2); short protein forms T491A.
Identifiers: ClinVar variation 4992491 (VCV004992491.1).
Genomic context (GRCh38, chr1:184,712,498, plus strand): 5'-TCTTTTTAGAGATGCTTTGATTTGTAGTAGAGAGCCAAAGAGGTAACAGATGAGCTTCTG[T>C]TGTAAAGATGTAATCTTCTATGTCAAAAATAATGTCTTCTTTATCAGCAAATAACAGGTA-3'
Protein context (NP_079467.3, residues 481-501): IFDIEDYIFT[Thr491Ala]EAHLLPLWLS